The following is an entry in ClinVar:

ClinVar aggregate classification (germline): Uncertain significance (1 of 4 stars; one submission).

Allele frequency attached by ClinVar (database versions not stated): gnomAD below 0.00001 and 0.00001; TOPMed below 0.00001; gnomAD exomes 0.00005; ExAC 0.00007.

Submission:

Labcorp Genetics (formerly Invitae), Labcorp
Classification: Uncertain significance. Last evaluated: 2025-04-23. Review status: criteria provided, single submitter. Criteria: Invitae Variant Classification Sherloc (09022015). Collection method: clinical testing. Allele origin: germline.
Comment: This sequence change replaces aspartic acid, which is acidic and polar, with asparagine, which is neutral and polar, at codon 130 of the ROM1 protein (p.Asp130Asn). This variant is present in population databases (rs763879225, gnomAD 0.04%). This variant has not been reported in the literature in individuals affected with ROM1-related conditions. ClinVar contains an entry for this variant (Variation ID: 847683). Invitae Evidence Modeling of protein sequence and biophysical properties (such as structural, functional, and spatial information, amino acid conservation, physicochemical variation, residue mobility, and thermodynamic stability) indicates that this missense variant is not expected to disrupt ROM1 protein function with a negative predictive value of 80%. In summary, the available evidence is currently insufficient to determine the role of this variant in disease. Therefore, it has been classified as a Variant of Uncertain Significance.

NM_000327.4(ROM1):c.388G>A (p.Asp130Asn)

Gene: ROM1 (retinal outer segment membrane protein 1; plus strand). Cytogenetic location: 11q12.3.
Variant type: single nucleotide variant.
Coding change: c.388G>A on transcript NM_000327.4 (MANE Select); coding-DNA position 388, G replaced by A.
Protein change: p.Asp130Asn; replaces aspartic acid 130 with asparagine.
Molecular consequence: missense variant.
Genome position (GRCh38, 1-based): chr11:62,613,669, G>A. VCF-style: chr11-62613669-G-A. GRCh37 (hg19) VCF-style: chr11-62381141-G-A.
Other names: short protein forms D130N.
Identifiers: ClinVar variation 847683 (VCV000847683.10), dbSNP rs763879225, ClinGen allele CA6049731.